The following is an entry in ClinVar:

ClinVar aggregate classification (germline): Benign/Likely benign. Review status: criteria provided, multiple submitters, no conflicts (2 of 4 stars). 3 submissions from 3 submitters: Benign (1); Likely benign (1). 1 of the submissions does not count toward it. Last evaluated 2025-12-18.

Conditions:
TMTC3-related disorder. Also called: TMTC3-related condition.

Allele frequency attached by ClinVar (database versions not stated): gnomAD exomes 0.00037 and 0.00113; ExAC 0.00158; 1000 Genomes Project 0.00359; 1000 Genomes Project 30x 0.00375; gnomAD 0.00427 and 0.00462; TOPMed 0.00488; ESP Exome Variant Server 0.00578.
gnomAD v4.1: 1,202 of 1,597,732 alleles (0.075%); highest among the groups gnomAD compares: African/African-American, 1.5%; 11 homozygotes.

Submissions (3):

Labcorp Genetics (formerly Invitae), Labcorp
Classification: Benign. Last evaluated: 2025-12-18. Review status: criteria provided, single submitter. Criteria: Invitae Variant Classification Sherloc (09022015). Collection method: clinical testing. Allele origin: germline.

Blueprint Genetics
Classification: Likely benign. Last evaluated: 2024-10-18. Review status: criteria provided, single submitter. Criteria: ACMG Guidelines, 2015. Collection method: clinical testing. Allele origin: germline.

PreventionGenetics, part of Exact Sciences
Classification: Benign for TMTC3-related condition. Last evaluated: 2019-10-28. Review status: no assertion criteria provided. Collection method: clinical testing. Allele origin: germline. Not counted in ClinVar's aggregate classification.
Comment: This variant is classified as benign based on ACMG/AMP sequence variant interpretation guidelines (Richards et al. 2015 PMID: 25741868, with internal and published modifications).

NM_181783.4(TMTC3):c.1515G>A (p.Met505Ile)

Gene: TMTC3 (transmembrane O-mannosyltransferase targeting cadherins 3; plus strand). Cytogenetic location: 12q21.32.
Variant type: single nucleotide variant.
Coding change: c.1515G>A on transcript NM_181783.4 (MANE Select); coding-DNA position 1515, G replaced by A.
Protein change: p.Met505Ile; replaces methionine 505 with isoleucine.
Molecular consequence: missense variant. On other transcripts: non-coding transcript variant (1).
Genome position (GRCh38, 1-based): chr12:88,188,925, G>A. VCF-style: chr12-88188925-G-A. GRCh37 (hg19) VCF-style: chr12-88582702-G-A.
Other names: c.1335G>A, p.Met445Ile (NM_001366574.1); c.1296G>A, p.Met432Ile (NM_001366579.1); c.1248G>A, p.Met416Ile (NM_001366580.1); c.822G>A, p.Met274Ile (NM_001366583.1); short protein forms M505I, M274I, M432I, M445I, M416I.
Identifiers: ClinVar variation 786609 (VCV000786609.13), dbSNP rs79854597, ClinGen allele CA6713308.